The following is an entry in ClinVar:

NM_000080.4(CHRNE):c.1072_1091del (p.Pro358fs)

Genes: CHRNE (cholinergic receptor nicotinic epsilon subunit; minus strand), LOC130060041 (ATAC-STARR-seq lymphoblastoid silent region 8050; plus strand). Cytogenetic location: 17p13.2.
Variant type: Deletion.
Coding change: c.1072_1091del on transcript NM_000080.4 (MANE Select); coding-DNA positions 1072 to 1091, 20 bases deleted (CCGCCGCCCGAGGCCCCCCG).
Protein change: p.Pro358fs; shifts the reading frame from proline 358.
Molecular consequence: frameshift variant.
Genome position (GRCh38, 1-based): chr17:4,899,326-4,899,345, CGGGGGGCCTCGGGCGGCGG deleted on the plus strand (CCGCCGCCCGAGGCCCCCCG on the coding strand, the reverse complement: CHRNE is on the minus strand); deleting any 20 consecutive bases within chr17:4,899,326-4,899,350 gives the same sequence; the c. name uses the placement nearest the transcript's 3' end. VCF-style (leftmost placement, unchanged base first): chr17-4899325-CCGGGGGGCCTCGGGCGGCGG-C. GRCh37 (hg19) VCF-style: chr17-4802620-CCGGGGGGCCTCGGGCGGCGG-C.
Other names: c.1072_1091del (NM_000080.3); c.1072_1091del20 (NM_000080.3); c.1072_1091del, p.Pro358fs (LRG_1254t1); short protein forms P358fs.
Identifiers: ClinVar variation 534252 (VCV000534252.17), dbSNP rs932032926, ClinGen allele CA287180227.

ClinVar aggregate classification (germline): Pathogenic/Likely pathogenic. Review status: criteria provided, multiple submitters, no conflicts (2 of 4 stars). 6 submissions from 6 submitters: Pathogenic (3); Likely pathogenic (2). 1 of the submissions does not count toward it. Last evaluated 2025-02-13.

Conditions:
CHRNE-related disorder. Also called: CHRNE-related condition.
Congenital myasthenic syndrome (CMS). Also called: Congenital Myasthenic Syndromes. Identifiers: Orphanet 590, MedGen C0751882, MeSH D020294, MONDO:0018940.
Congenital myasthenic syndrome 4A. Also called: CONGENITAL MYASTHENIC SYNDROME TYPE Ia1; MYASTHENIC SYNDROME, CONGENITAL, 4A, SLOW-CHANNEL, AUTOSOMAL RECESSIVE; Myasthenic syndrome, congenital, 4a, slow-channel. Identifiers: Orphanet 590, MedGen C4225413, MONDO:0011600, OMIM 605809.

Submissions (6):

Natera, Inc.
Classification: Likely pathogenic for Congenital myasthenic syndrome. Last evaluated: 2025-02-13. Review status: criteria provided, single submitter. Criteria: Natera Variant Classification Schema (03/2026). Collection method: clinical testing. Allele origin: germline.
Comment: The c.1072_1091delCCGCCGCCCGAGGCCCCCCG variant in CHRNE is a frameshift variant predicted to shift the reading frame beginning at codon 358 and leads to a stop codon 32 codons downstream. This variant is expected to result in nonsense mediated decay, truncation, or a dysfunctional protein product. This variant is rare in the general population with a frequency below the threshold expected for the associated phenotype(s). Given the available evidence, this variant is classified as Likely Pathogenic.

Labcorp Genetics (formerly Invitae), Labcorp
Classification: Pathogenic for Congenital myasthenic syndrome 4A. Last evaluated: 2024-06-13. Review status: criteria provided, single submitter. Criteria: Invitae Variant Classification Sherloc (09022015). Collection method: clinical testing. Allele origin: germline.
Comment: This sequence change creates a premature translational stop signal (p.Pro358Glyfs*32) in the CHRNE gene. It is expected to result in an absent or disrupted protein product. Loss-of-function variants in CHRNE are known to be pathogenic (PMID: 22678886). This variant is present in population databases (no rsID available, gnomAD 0.001%). This variant has not been reported in the literature in individuals affected with CHRNE-related conditions. ClinVar contains an entry for this variant (Variation ID: 534252). For these reasons, this variant has been classified as Pathogenic.

Baylor Genetics
Classification: Pathogenic for Congenital myasthenic syndrome 4A. Last evaluated: 2024-03-30. Review status: criteria provided, single submitter. Criteria: ACMG Guidelines, 2015. Collection method: clinical testing. Allele origin: unknown.

GeneDx
Classification: Likely pathogenic. Last evaluated: 2024-01-18. Review status: criteria provided, single submitter. Criteria: GeneDx Variant Classification Process June 2021. Collection method: clinical testing. Allele origin: germline. Affected: yes.
Comment: Frameshift variant predicted to result in protein truncation or nonsense-mediated decay in a gene for which loss of function is a known mechanism of disease; Not observed at significant frequency in large population cohorts (gnomAD); Has not been previously published as pathogenic or benign to our knowledge

Genetics and Molecular Pathology, SA Pathology
Classification: Pathogenic for Congenital myasthenic syndrome. Last evaluated: 2021-12-01. Review status: criteria provided, single submitter. Criteria: ACMG Guidelines, 2015. Collection method: clinical testing. Allele origin: germline. Affected: yes.

PreventionGenetics, part of Exact Sciences
Classification: Likely pathogenic for CHRNE-related condition. Last evaluated: 2024-03-01. Review status: no assertion criteria provided. Collection method: clinical testing. Allele origin: germline. Not counted in ClinVar's aggregate classification.
Comment: The CHRNE c.1072_1091del20 variant is predicted to result in a frameshift and premature protein termination (p.Pro358Glyfs*32). To our knowledge, this variant has not been reported in the literature. However, at PreventionGenetics we have observed this variant in the homozygous state in two other patients presenting with myasthenic syndrome phenotypes. This variant is reported in 0.0014% of alleles in individuals of European (Non-Finnish) descent in gnomAD. Frameshift variants in CHRNE are expected to be pathogenic. This variant is interpreted as likely pathogenic.

Literature cited by the submitters: PubMed 22678886 (cited by Labcorp Genetics (formerly Invitae), Labcorp).